The following is an entry in ClinVar:

ClinVar aggregate classification (germline): Uncertain significance. Review status: criteria provided, multiple submitters, no conflicts (2 of 4 stars). 3 submissions from 3 submitters: Uncertain significance (3). Last evaluated 2025-01-04.

Conditions:
Aortic aneurysm, familial thoracic 4 (AAT4). Also called: AORTIC ANEURYSM/AORTIC DISSECTION AND PATENT DUCTUS ARTERIOSUS. Identifiers: MedGen C1851504, MONDO:0007568, OMIM 132900.
Familial thoracic aortic aneurysm and aortic dissection (TAAD). Also called: Thoracic aortic aneurysms and dissections. Identifiers: Orphanet 91387, MedGen C4707243, MONDO:0019625.

gnomAD v4.1: 5 of 1,614,006 alleles (0.00031%); highest among the groups gnomAD compares: African/African-American, 0.0053%; no homozygotes.

Submissions (3):

Ambry Genetics
Classification: Uncertain significance for Familial thoracic aortic aneurysm and aortic dissection. Last evaluated: 2025-01-04. Review status: criteria provided, single submitter. Criteria: Ambry Variant Classification Scheme 2023. Collection method: clinical testing. Allele origin: germline.
Comment: The p.E1912Q variant (also known as c.5734G>C), located in coding exon 39 of the MYH11 gene, results from a G to C substitution at nucleotide position 5734. The glutamic acid at codon 1912 is replaced by glutamine, an amino acid with highly similar properties. This amino acid position is conserved. In addition, the in silico prediction for this alteration is inconclusive. Since supporting evidence is limited at this time, the clinical significance of this alteration remains unclear.

All of Us Research Program, National Institutes of Health
Classification: Uncertain significance for Familial thoracic aortic aneurysm and aortic dissection. Last evaluated: 2024-07-20. Review status: criteria provided, single submitter. Criteria: ACMG Guidelines, 2015. Collection method: clinical testing. Allele origin: germline. Inheritance: Autosomal dominant inheritance. Observed: 2 variant alleles, 2 heterozygotes.
Comment: This missense variant replaces glutamic acid with glutamine at codon 1919 of the MYH11 protein. Computational prediction suggests that this variant may have deleterious impact on protein structure and function (internally defined REVEL score threshold >= 0.7, PMID: 27666373). To our knowledge, functional studies have not been reported for this variant. This variant has not been reported in individuals affected with MYH11-related disorders in the literature. This variant has not been identified in the general population by the Genome Aggregation Database (gnomAD). The available evidence is insufficient to determine the role of this variant in disease conclusively. Therefore, this variant is classified as a Variant of Uncertain Significance.

This study involves interpretation of variants in research participants for the purpose of population health screening. Participant phenotype was not available at the time of variant classification. Additional details can be found in publication PMID: 35346344, PMCID: PMC8962531

Labcorp Genetics (formerly Invitae), Labcorp
Classification: Uncertain significance for Aortic aneurysm, familial thoracic 4. Last evaluated: 2024-06-21. Review status: criteria provided, single submitter. Criteria: Invitae Variant Classification Sherloc (09022015). Collection method: clinical testing. Allele origin: germline.
Comment: This sequence change replaces glutamic acid, which is acidic and polar, with glutamine, which is neutral and polar, at codon 1919 of the MYH11 protein (p.Glu1919Gln). This variant is not present in population databases (gnomAD no frequency). This variant has not been reported in the literature in individuals affected with MYH11-related conditions. ClinVar contains an entry for this variant (Variation ID: 1749344). Advanced modeling of protein sequence and biophysical properties (such as structural, functional, and spatial information, amino acid conservation, physicochemical variation, residue mobility, and thermodynamic stability) performed at Invitae indicates that this missense variant is not expected to disrupt MYH11 protein function with a negative predictive value of 80%. In summary, the available evidence is currently insufficient to determine the role of this variant in disease. Therefore, it has been classified as a Variant of Uncertain Significance.

NM_002474.3(MYH11):c.5734G>C (p.Glu1912Gln)

Genes: NDE1 (nudE neurodevelopment protein 1; plus strand), MYH11 (myosin heavy chain 11; minus strand). Cytogenetic location: 16p13.11.
Variant type: single nucleotide variant.
Coding change: c.5734G>C on transcript NM_002474.3 (MANE Select); coding-DNA position 5734, G replaced by C.
Protein change: p.Glu1912Gln; replaces glutamic acid 1912 with glutamine.
Molecular consequence: missense variant. On other transcripts: intron variant (2).
Genome position (GRCh38, 1-based): chr16:15,714,961, C>G on the plus strand (G>C on the coding strand, the complement: MYH11 is on the minus strand). VCF-style: chr16-15714961-C-G. GRCh37 (hg19) VCF-style: chr16-15808818-C-G.
Other names: c.5755G>C, p.Glu1919Gln (NM_001040113.2, NM_001040114.2); c.5734G>C, p.Glu1912Gln (NM_022844.3); c.948-9230C>G (NM_001143979.2, NM_017668.3); short protein forms E1912Q, E1919Q.
Identifiers: ClinVar variation 1749344 (VCV001749344.7), dbSNP rs1030614126, ClinGen allele CA394846499.
Genomic context (GRCh38, chr16:15,714,961, plus strand): 5'-CTCCTCACCTGAGCTTGCTCTTGAGTGCGTTCACCTCGCGGCCCATGGCCTCGTTGCTCT[C>G]CGTGGCCTCATCCAGCTCCCGCTGCAGCTTCCTGCGGTTGGCGTTGATGCGCTGGGACTC-3'
Protein context (NP_002465.1, residues 1902-1922): KLQRELDEAT[Glu1912Gln]SNEAMGREVN